The following is an entry in ClinVar:

NM_000138.5(FBN1):c.5747G>T (p.Cys1916Phe)

Gene: FBN1 (fibrillin 1; minus strand). Cytogenetic location: 15q21.1.
Variant type: single nucleotide variant.
Coding change: c.5747G>T on transcript NM_000138.5 (MANE Select); coding-DNA position 5747, G replaced by T.
Protein change: p.Cys1916Phe; replaces cysteine 1916 with phenylalanine.
Molecular consequence: missense variant.
Genome position (GRCh38, 1-based): chr15:48,446,747, C>A on the plus strand (G>T on the coding strand, the complement: FBN1 is on the minus strand). VCF-style: chr15-48446747-C-A. GRCh37 (hg19) VCF-style: chr15-48738944-C-A.
Other names: short protein forms C1916F.
Identifiers: ClinVar variation 939999 (VCV000939999.8), dbSNP rs397515827, ClinGen allele CA392341176.

ClinVar aggregate classification (germline): Pathogenic (1 of 4 stars; one submission).

Conditions:
Familial thoracic aortic aneurysm and aortic dissection (TAAD). Also called: Thoracic aortic aneurysms and dissections. Identifiers: Orphanet 91387, MedGen C4707243, MONDO:0019625.
Marfan syndrome (MFS). Also called: Marfan syndrome, classic; Marfan syndrome type 1; Marfan's syndrome; FBN1-Related Marfan Syndrome; MARFAN SYNDROME, TYPE I. Identifiers: Orphanet 284963, Orphanet 558, MedGen C0024796, MONDO:0007947, OMIM 154700.

Submission:

Labcorp Genetics (formerly Invitae), Labcorp
Classification: Pathogenic for Marfan syndrome; Familial thoracic aortic aneurysm and aortic dissection. Last evaluated: 2022-11-22. Review status: criteria provided, single submitter. Criteria: Invitae Variant Classification Sherloc (09022015). Collection method: clinical testing. Allele origin: germline.
Comment: This missense change has been observed in individual(s) with clinical features of Marfan syndrome (Invitae). For these reasons, this variant has been classified as Pathogenic. This variant disrupts the p.Cys1916 amino acid residue in FBN1. Other variant(s) that disrupt this residue have been observed in individuals with FBN1-related conditions (PMID: 19293843, 24793577; Invitae), which suggests that this may be a clinically significant amino acid residue. This variant affects a cysteine residue in the EGF-like, TGFBP or hybrid motif domains of FBN1. Cysteine residues are believed to be involved in intramolecular disulfide bridges and have been shown to be important for FBN1 protein structure (PMID: 16905551, 19349279). In addition, missense substitutions affecting cysteine residues within these domains are significantly overrepresented among patients with Marfan syndrome (PMID: 16571647, 17701892). Advanced modeling of protein sequence and biophysical properties (such as structural, functional, and spatial information, amino acid conservation, physicochemical variation, residue mobility, and thermodynamic stability) performed at Invitae indicates that this missense variant is expected to disrupt FBN1 protein function. ClinVar contains an entry for this variant (Variation ID: 939999). This variant is not present in population databases (gnomAD no frequency). This sequence change replaces cysteine, which is neutral and slightly polar, with phenylalanine, which is neutral and non-polar, at codon 1916 of the FBN1 protein (p.Cys1916Phe).

Literature cited by the submitters: PubMed 19293843; PubMed 24793577; PubMed 16905551; PubMed 19349279; PubMed 16571647; PubMed 17701892.